The following is an entry in ClinVar:

ClinVar aggregate classification (germline): Uncertain significance. Review status: criteria provided, multiple submitters, no conflicts (2 of 4 stars). 2 submissions from 2 submitters: Uncertain significance (2). Last evaluated 2025-11-13.

Conditions:
Inborn genetic diseases. Identifiers: MedGen C0950123, MeSH D030342.

Allele frequency attached by ClinVar (database versions not stated): gnomAD 0.00001; gnomAD exomes 0.00001; TOPMed 0.00001.
gnomAD v4.1: 11 of 1,171,934 alleles (0.00094%); highest among the groups gnomAD compares: Non-Finnish European, 0.001%; no homozygotes.

Submissions (2):

Ambry Genetics
Classification: Uncertain significance for Inborn genetic diseases. Last evaluated: 2025-11-13. Review status: criteria provided, single submitter. Criteria: Ambry Variant Classification Scheme 2023. Collection method: clinical testing. Allele origin: germline.

Labcorp Genetics (formerly Invitae), Labcorp
Classification: Uncertain significance. Last evaluated: 2022-02-02. Review status: criteria provided, single submitter. Criteria: Invitae Variant Classification Sherloc (09022015). Collection method: clinical testing. Allele origin: germline.
Comment: In summary, the available evidence is currently insufficient to determine the role of this variant in disease. Therefore, it has been classified as a Variant of Uncertain Significance. This sequence change replaces alanine, which is neutral and non-polar, with glycine, which is neutral and non-polar, at codon 202 of the AMER1 protein (p.Ala202Gly). This variant is not present in population databases (gnomAD no frequency). This variant has not been reported in the literature in individuals affected with AMER1-related conditions. Algorithms developed to predict the effect of missense changes on protein structure and function (SIFT, PolyPhen-2, Align-GVGD) all suggest that this variant is likely to be tolerated.

NM_152424.4(AMER1):c.605C>G (p.Ala202Gly)

Gene: AMER1 (APC membrane recruitment protein 1; minus strand). Cytogenetic location: Xq11.2.
Variant type: single nucleotide variant.
Coding change: c.605C>G on transcript NM_152424.4 (MANE Select); coding-DNA position 605, C replaced by G.
Protein change: p.Ala202Gly; replaces alanine 202 with glycine.
Molecular consequence: missense variant.
Genome position (GRCh38, 1-based): chrX:64,192,682, G>C on the plus strand (C>G on the coding strand, the complement: AMER1 is on the minus strand). VCF-style: chrX-64192682-G-C. GRCh37 (hg19) VCF-style: chrX-63412562-G-C.
Other names: c.605C>G (NM_152424.3); short protein forms A202G.
Identifiers: ClinVar variation 1968786 (VCV001968786.6), dbSNP rs1040925879, ClinGen allele CA329957763.